The following is an entry in ClinVar:

ClinVar aggregate classification (germline): Uncertain significance (1 of 4 stars; one submission).

Conditions:
Inborn genetic diseases. Identifiers: MedGen C0950123, MeSH D030342.

Allele frequency attached by ClinVar (database versions not stated): gnomAD exomes 0.00001; ExAC 0.00002.

Submission:

Ambry Genetics
Classification: Uncertain significance for Inborn genetic diseases. Last evaluated: 2023-11-16. Review status: criteria provided, single submitter. Criteria: Ambry Variant Classification Scheme 2023. Collection method: clinical testing. Allele origin: germline.
Comment: The p.E1239A variant (also known as c.3716A>C), located in coding exon 27 of the LRRK2 gene, results from an A to C substitution at nucleotide position 3716. The glutamic acid at codon 1239 is replaced by alanine, an amino acid with dissimilar properties. This amino acid position is conserved. In addition, this alteration is predicted to be tolerated by in silico analysis. Since supporting evidence is limited at this time, the clinical significance of this alteration remains unclear.

NM_198578.4(LRRK2):c.3716A>C (p.Glu1239Ala)

Gene: LRRK2 (leucine rich repeat kinase 2; plus strand). Cytogenetic location: 12q12.
Variant type: single nucleotide variant.
Coding change: c.3716A>C on transcript NM_198578.4 (MANE Select); coding-DNA position 3716, A replaced by C.
Protein change: p.Glu1239Ala; replaces glutamic acid 1239 with alanine.
Molecular consequence: missense variant.
Genome position (GRCh38, 1-based): chr12:40,304,073, A>C. VCF-style: chr12-40304073-A-C. GRCh37 (hg19) VCF-style: chr12-40697875-A-C.
Other names: short protein forms E1239A.
Identifiers: ClinVar variation 1734237 (VCV001734237.2), dbSNP rs761981205, ClinGen allele CA6513985.